The following is an entry in ClinVar:

NM_001458.5(FLNC):c.4240C>T (p.Pro1414Ser)

Gene: FLNC (filamin C; plus strand). Cytogenetic location: 7q32.1.
Variant type: single nucleotide variant.
Coding change: c.4240C>T on transcript NM_001458.5 (MANE Select); coding-DNA position 4240, C replaced by T.
Protein change: p.Pro1414Ser; replaces proline 1414 with serine.
Molecular consequence: missense variant.
Genome position (GRCh38, 1-based): chr7:128,846,857, C>T. VCF-style: chr7-128846857-C-T. GRCh37 (hg19) VCF-style: chr7-128486911-C-T.
Other names: c.4240C>T, p.Pro1414Ser (NM_001127487.2); short protein forms P1414S.
Identifiers: ClinVar variation 3758904 (VCV003758904.2).

ClinVar aggregate classification (germline): Uncertain significance (1 of 4 stars; one submission).

Conditions:
Distal myopathy with posterior leg and anterior hand involvement. Also called: WILLIAMS DISTAL MYOPATHY. Identifiers: Orphanet 63273, MedGen C3279722, MONDO:0013550, OMIM 614065.
Hypertrophic cardiomyopathy 26. Also called: Cardiomyopathy, familial hypertrophic, 26. Identifiers: Orphanet 75249, MedGen C4310749, MONDO:0014883, OMIM 617047.
Myofibrillar myopathy 5. Also called: Filaminopathy (type); FILAMINOPATHY, AUTOSOMAL DOMINANT. Identifiers: Orphanet 171445, MedGen C1836050, MONDO:0012289, OMIM 609524.

gnomAD v4.1: 2 of 1,614,248 alleles (0.00012%); highest among the groups gnomAD compares: Non-Finnish European, 0.00017%; no homozygotes.

Submission:

Labcorp Genetics (formerly Invitae), Labcorp
Classification: Uncertain significance for Distal myopathy with posterior leg and anterior hand involvement; Myofibrillar myopathy 5; Hypertrophic cardiomyopathy 26. Last evaluated: 2024-11-14. Review status: criteria provided, single submitter. Criteria: Invitae Variant Classification Sherloc (09022015). Collection method: clinical testing. Allele origin: germline.
Comment: This sequence change replaces proline, which is neutral and non-polar, with serine, which is neutral and polar, at codon 1414 of the FLNC protein (p.Pro1414Ser). This variant is not present in population databases (gnomAD no frequency). This variant has not been reported in the literature in individuals affected with FLNC-related conditions. Invitae Evidence Modeling of protein sequence and biophysical properties (such as structural, functional, and spatial information, amino acid conservation, physicochemical variation, residue mobility, and thermodynamic stability) has been performed for this missense variant. However, the output from this modeling did not meet the statistical confidence thresholds required to predict the impact of this variant on FLNC protein function. In summary, the available evidence is currently insufficient to determine the role of this variant in disease. Therefore, it has been classified as a Variant of Uncertain Significance.